The following is an entry in ClinVar:

NM_001365999.1(SZT2):c.3433+3G>A

Gene: SZT2 (SZT2 subunit of KICSTOR complex; plus strand). Cytogenetic location: 1p34.2.
Variant type: single nucleotide variant.
Coding change: c.3433+3G>A on transcript NM_001365999.1 (MANE Select); 3 bases into the intron after coding-DNA position 3433, G replaced by A.
Molecular consequence: intron variant.
Genome position (GRCh38, 1-based): chr1:43,427,182, G>A. VCF-style: chr1-43427182-G-A. GRCh37 (hg19) VCF-style: chr1-43892853-G-A.
Other names: c.3262+3G>A (NM_015284.4).
Identifiers: ClinVar variation 3648664 (VCV003648664.2).

ClinVar aggregate classification (germline): Uncertain significance (1 of 4 stars; one submission).

gnomAD v4.1: 1 of 1,614,140 alleles (0.000062%); highest among the groups gnomAD compares: South Asian, 0.0011%; no homozygotes.

Submission:

Labcorp Genetics (formerly Invitae), Labcorp
Classification: Uncertain significance. Last evaluated: 2024-04-03. Review status: criteria provided, single submitter. Criteria: Invitae Variant Classification Sherloc (09022015). Collection method: clinical testing. Allele origin: germline.
Comment: This sequence change falls in intron 23 of the SZT2 gene. It does not directly change the encoded amino acid sequence of the SZT2 protein. It affects a nucleotide within the consensus splice site. This variant is present in population databases (no rsID available, gnomAD 0.003%). This variant has not been reported in the literature in individuals affected with SZT2-related conditions. Variants that disrupt the consensus splice site are a relatively common cause of aberrant splicing (PMID: 17576681, 9536098). Algorithms developed to predict the effect of sequence changes on RNA splicing suggest that this variant is not likely to affect RNA splicing. In summary, the available evidence is currently insufficient to determine the role of this variant in disease. Therefore, it has been classified as a Variant of Uncertain Significance.

Literature cited by the submitters: PubMed 17576681; PubMed 9536098.